The following is an entry in ClinVar:

NM_015100.4(POGZ):c.497C>T (p.Ala166Val)

Gene: POGZ (pogo transposable element derived with ZNF domain; minus strand). Cytogenetic location: 1q21.3.
Variant type: single nucleotide variant.
Coding change: c.497C>T on transcript NM_015100.4 (MANE Select); coding-DNA position 497, C replaced by T.
Protein change: p.Ala166Val; replaces alanine 166 with valine.
Molecular consequence: missense variant. On other transcripts: intron variant (1).
Genome position (GRCh38, 1-based): chr1:151,429,674, G>A on the plus strand (C>T on the coding strand, the complement: POGZ is on the minus strand). VCF-style: chr1-151429674-G-A. GRCh37 (hg19) VCF-style: chr1-151402150-G-A.
Other names: c.338C>T, p.Ala113Val (NM_207171.2, NM_001194938.2); c.284-1261C>T (NM_145796.4); c.497C>T, p.Ala166Val (NM_001194937.2); c.518C>T, p.Ala173Val (NM_001410860.1); short protein forms A166V, A113V, A173V.
Identifiers: ClinVar variation 2862599 (VCV002862599.3), dbSNP rs951768095, ClinGen allele CA341980939.

ClinVar aggregate classification (germline): Uncertain significance (1 of 4 stars; one submission).

Submission:

Labcorp Genetics (formerly Invitae), Labcorp
Classification: Uncertain significance. Last evaluated: 2024-11-23. Review status: criteria provided, single submitter. Criteria: Invitae Variant Classification Sherloc (09022015). Collection method: clinical testing. Allele origin: germline.
Comment: This sequence change replaces alanine, which is neutral and non-polar, with valine, which is neutral and non-polar, at codon 166 of the POGZ protein (p.Ala166Val). This variant is not present in population databases (gnomAD no frequency). This variant has not been reported in the literature in individuals affected with POGZ-related conditions. ClinVar contains an entry for this variant (Variation ID: 2862599). Invitae Evidence Modeling of protein sequence and biophysical properties (such as structural, functional, and spatial information, amino acid conservation, physicochemical variation, residue mobility, and thermodynamic stability) indicates that this missense variant is not expected to disrupt POGZ protein function with a negative predictive value of 80%. In summary, the available evidence is currently insufficient to determine the role of this variant in disease. Therefore, it has been classified as a Variant of Uncertain Significance.